The following is an entry in ClinVar:

NM_004456.5(EZH2):c.2051G>A (p.Arg684His)

Gene: EZH2 (enhancer of zeste 2 polycomb repressive complex 2 subunit; minus strand). Cytogenetic location: 7q36.1.
Variant type: single nucleotide variant.
Coding change: c.2051G>A on transcript NM_004456.5 (MANE Select); coding-DNA position 2051, G replaced by A.
Protein change: p.Arg684His; replaces arginine 684 with histidine.
Molecular consequence: missense variant.
Genome position (GRCh38, 1-based): chr7:148,809,369, C>T on the plus strand (G>A on the coding strand, the complement: EZH2 is on the minus strand). VCF-style: chr7-148809369-C-T. GRCh37 (hg19) VCF-style: chr7-148506461-C-T.
Other names: c.2036G>A, p.Arg679His (NM_001203247.2); c.2009G>A, p.Arg670His (NM_001203248.2); c.1883G>A, p.Arg628His (NM_001203249.2); c.1919G>A, p.Arg640His (NM_152998.3); short protein forms R628H, R679H, R640H, R684H, R670H.
Identifiers: ClinVar variation 2136622 (VCV002136622.4), dbSNP rs2129467682, ClinGen allele CA369712335.

ClinVar aggregate classification (germline): Uncertain significance (1 of 4 stars; one submission).

Conditions:
Weaver syndrome (WVS). Also called: Weaver Smith syndrome; Overgrowth syndrome with accelerated skeletal maturation, unusual facies, and camptodactyly. Identifiers: Orphanet 3447, MedGen C0265210, MONDO:0010193, OMIM 277590.

Submission:

Labcorp Genetics (formerly Invitae), Labcorp
Classification: Uncertain significance for Weaver syndrome. Last evaluated: 2022-09-10. Review status: criteria provided, single submitter. Criteria: Invitae Variant Classification Sherloc (09022015). Collection method: clinical testing. Allele origin: germline.
Comment: This variant is not present in population databases (gnomAD no frequency). This missense change has been observed in individual(s) with clinical features of EZH2-related conditions and/or Weaver syndrome (PMID: 24214728, 31785789). Advanced modeling of protein sequence and biophysical properties (such as structural, functional, and spatial information, amino acid conservation, physicochemical variation, residue mobility, and thermodynamic stability) performed at Invitae indicates that this missense variant is expected to disrupt EZH2 protein function. This variant disrupts the p.Arg684 amino acid residue in EZH2. Other variant(s) that disrupt this residue have been determined to be pathogenic (PMID: 22190405, 26694085, 29802153). This suggests that this residue is clinically significant, and that variants that disrupt this residue are likely to be disease-causing. In summary, the available evidence is currently insufficient to determine the role of this variant in disease. Therefore, it has been classified as a Variant of Uncertain Significance. This sequence change replaces arginine, which is basic and polar, with histidine, which is basic and polar, at codon 684 of the EZH2 protein (p.Arg684His).

Literature cited by the submitters: PubMed 24214728; PubMed 31785789; PubMed 22190405; PubMed 26694085; PubMed 29802153.